The following is an entry in ClinVar:

ClinVar aggregate classification (germline): Benign/Likely benign. Review status: criteria provided, multiple submitters, no conflicts (2 of 4 stars). 3 submissions from 3 submitters: Benign (1); Likely benign (2). Last evaluated 2024-11-12.

Conditions:
Renal cell carcinoma. Identifiers: Orphanet 217071, MedGen C0007134, MeSH D002292, MONDO:0005086, HP:0005584.
Hereditary cancer-predisposing syndrome. Also called: Hereditary neoplastic syndrome; Hereditary Cancer Syndrome; Neoplastic Syndromes, Hereditary; Tumor predisposition. Identifiers: Orphanet 140162, MedGen C0027672, MeSH D009386, MONDO:0015356.
Papillary renal cell carcinoma type 1 (RCCP1). Also called: RENAL CELL CARCINOMA, PAPILLARY, 1, SOMATIC; Renal adenocarcinoma; Renal cell carcinoma 1; Renal cell carcinoma, somatic. Identifiers: Orphanet 47044, MedGen C1336839, OMIM 605074, HP:0011797.

Allele frequency attached by ClinVar (database versions not stated): gnomAD exomes below 0.00001.
gnomAD v4.1: 2 of 1,613,852 alleles (0.00012%); highest among the groups gnomAD compares: Non-Finnish European, 0.00017%; no homozygotes.

Submissions (3):

Myriad Genetics, Inc.
Classification: Benign for Papillary renal cell carcinoma type 1. Last evaluated: 2024-11-12. Review status: criteria provided, single submitter. Criteria: Myriad Autosomal Dominant, Autosomal Recessive and X-Linked Classification Criteria (2023). Collection method: clinical testing. Allele origin: unknown.
Comment: This variant is considered benign. This variant is a silent/synonymous amino acid change and it is not expected to impact splicing.

Labcorp Genetics (formerly Invitae), Labcorp
Classification: Likely benign for Renal cell carcinoma. Last evaluated: 2023-03-23. Review status: criteria provided, single submitter. Criteria: Invitae Variant Classification Sherloc (09022015). Collection method: clinical testing. Allele origin: germline.

Ambry Genetics
Classification: Likely benign for Hereditary cancer-predisposing syndrome. Last evaluated: 2020-01-21. Review status: criteria provided, single submitter. Criteria: Ambry Variant Classification Scheme 2023. Collection method: clinical testing. Allele origin: germline.

NM_000245.4(MET):c.3015T>C (p.Ala1005=)

Gene: MET (MET proto-oncogene, receptor tyrosine kinase; plus strand). Cytogenetic location: 7q31.2.
Variant type: single nucleotide variant.
Coding change: c.3015T>C on transcript NM_000245.4 (MANE Select); coding-DNA position 3015, T replaced by C.
Protein change: p.Ala1005=; no amino-acid change (alanine 1005 retained).
Molecular consequence: synonymous variant.
Genome position (GRCh38, 1-based): chr7:116,771,976, T>C. VCF-style: chr7-116771976-T-C. GRCh37 (hg19) VCF-style: chr7-116412030-T-C.
Other names: c.3069T>C, p.Ala1023= (NM_001127500.3); c.1725T>C, p.Ala575= (NM_001324402.2).
Identifiers: ClinVar variation 1597140 (VCV001597140.11), dbSNP rs2116997626, ClinGen allele CA457447613.